The following is an entry in ClinVar:

NM_001064.4(TKT):c.340-6T>C

Gene: TKT (transketolase; minus strand). Cytogenetic location: 3p21.1.
Variant type: single nucleotide variant.
Coding change: c.340-6T>C on transcript NM_001064.4 (MANE Select); 6 bases into the intron before coding-DNA position 340, T replaced by C.
Molecular consequence: intron variant.
Genome position (GRCh38, 1-based): chr3:53,240,354, A>G on the plus strand (T>C on the coding strand, the complement: TKT is on the minus strand). VCF-style: chr3-53240354-A-G. GRCh37 (hg19) VCF-style: chr3-53274370-A-G.
Other names: c.340-6T>C (NM_001135055.3, NM_001258028.2).
Identifiers: ClinVar variation 4795348 (VCV004795348.1).
Genomic context (GRCh38, chr3:53,240,354, plus strand): 5'-CGGCCCCGAGGCCCTGGCCCAGGGAGCCAGTGGCCACGTCGGTGAAAGCTTGTTTCTGTC[A>G]TAACAGAAGGCCACCGTTAATCTGAGAGGAGAAGGGATCCTGGTCTCACCCGCCTAGGGA-3'

ClinVar aggregate classification (germline): Uncertain significance (1 of 4 stars; one submission).

gnomAD v4.1: 125 of 1,610,242 alleles (0.0078%); highest among the groups gnomAD compares: African/African-American, 0.14%; no homozygotes.

Submission:

GeneDx
Classification: Uncertain significance. Last evaluated: 2025-08-16. Review status: criteria provided, single submitter. Criteria: GeneDx Variant Classification Process June 2021. Collection method: clinical testing. Allele origin: germline. Affected: yes.
Comment: In silico analysis supports a deleterious effect on splicing; Has not been previously published as pathogenic or benign to our knowledge